The following is an entry in ClinVar:

ClinVar aggregate classification (germline): Likely pathogenic (1 of 4 stars; one submission).

Conditions:
Diamond-Blackfan anemia. Also called: Blackfan Diamond syndrome; Aregenerative anemia chronic congenital; Red cell aplasia, pure hereditary; Congenital hypoplastic anemia; Aase syndrome. Identifiers: Orphanet 124, MedGen C1260899, MeSH D029503, MONDO:0015253, HP:0004810.

Submission:

Labcorp Genetics (formerly Invitae), Labcorp
Classification: Likely pathogenic for Diamond-Blackfan anemia. Last evaluated: 2017-10-10. Review status: criteria provided, single submitter. Criteria: Invitae Variant Classification Sherloc (09022015). Collection method: clinical testing. Allele origin: germline.
Comment: Donor and acceptor splice site variants typically lead to a loss of protein function (PMID: 16199547), and loss-of-function variants in RPL11 are known to be pathogenic (PMID: 19773262, 19061985). This sequence change affects a donor splice site in intron 3 of the RPL11 gene. It is expected to disrupt RNA splicing and likely results in an absent or disrupted protein product. This variant is not present in population databases (ExAC no frequency). This variant has not been reported in the literature in individuals with RPL11-related disease. In summary, the currently available evidence indicates that the variant is pathogenic, but additional data are needed to prove that conclusively. Therefore, this variant has been classified as Likely Pathogenic.

Literature cited by the submitters: PubMed 16199547; PubMed 19773262; PubMed 19061985.

NM_000975.5(RPL11):c.264+1G>A

Gene: RPL11 (ribosomal protein L11; plus strand). Cytogenetic location: 1p36.11.
Variant type: single nucleotide variant.
Coding change: c.264+1G>A on transcript NM_000975.5 (MANE Select); the canonical splice donor site of the intron after coding-DNA position 264, G replaced by A.
Molecular consequence: splice donor variant.
Genome position (GRCh38, 1-based): chr1:23,693,914, G>A. VCF-style: chr1-23693914-G-A. GRCh37 (hg19) VCF-style: chr1-24020404-G-A.
Other names: c.261+1G>A (NM_001199802.1).
Identifiers: ClinVar variation 532177 (VCV000532177.7), dbSNP rs1553121795, ClinGen allele CA338993022.